The following is an entry in ClinVar:

NM_006904.7(PRKDC):c.7028A>C (p.Glu2343Ala)

Gene: PRKDC (protein kinase, DNA-activated, catalytic subunit; minus strand). Cytogenetic location: 8q11.21.
Variant type: single nucleotide variant.
Coding change: c.7028A>C on transcript NM_006904.7 (MANE Select); coding-DNA position 7028, A replaced by C.
Protein change: p.Glu2343Ala; replaces glutamic acid 2343 with alanine.
Molecular consequence: missense variant.
Genome position (GRCh38, 1-based): chr8:47,849,481, T>G on the plus strand (A>C on the coding strand, the complement: PRKDC is on the minus strand). VCF-style: chr8-47849481-T-G. GRCh37 (hg19) VCF-style: chr8-48762042-T-G.
Other names: c.7028A>C, p.Glu2343Ala (NM_001081640.2); short protein forms E2343A.
Identifiers: ClinVar variation 2449879 (VCV002449879.2), dbSNP rs2551868750, ClinGen allele CA371158024.

ClinVar aggregate classification (germline): Uncertain significance (1 of 4 stars; one submission).

Submission:

Ambry Genetics
Classification: Uncertain significance. Last evaluated: 2023-02-05. Review status: criteria provided, single submitter. Criteria: Ambry Variant Classification Scheme 2023. Collection method: clinical testing. Allele origin: germline.
Comment: The p.E2343A variant (also known as c.7028A>C), located in coding exon 53 of the PRKDC gene, results from an A to C substitution at nucleotide position 7028. The glutamic acid at codon 2343 is replaced by alanine, an amino acid with dissimilar properties. This amino acid position is conserved. In addition, this alteration is predicted to be tolerated by in silico analysis. Since supporting evidence is limited at this time, the clinical significance of this alteration remains unclear.